The following is an entry in ClinVar:

NM_018474.6(KIZ):c.942A>G (p.Lys314=)

Gene: KIZ (kizuna centrosomal protein; plus strand). Cytogenetic location: 20p11.23.
Variant type: single nucleotide variant.
Coding change: c.942A>G on transcript NM_018474.6 (MANE Select); coding-DNA position 942, A replaced by G.
Protein change: p.Lys314=; no amino-acid change (lysine 314 retained).
Molecular consequence: synonymous variant.
Genome position (GRCh38, 1-based): chr20:21,162,407, A>G. VCF-style: chr20-21162407-A-G. GRCh37 (hg19) VCF-style: chr20-21143048-A-G.
Other names: c.942A>G (NM_018474.5); c.633A>G, p.Lys211= (NM_001163022.3, NM_001352435.2); c.543A>G, p.Lys181= (NM_001163023.3); c.795A>G, p.Lys265= (NM_001276389.2); c.942A>G, p.Lys314= (NM_001352434.2); c.600A>G, p.Lys200= (NM_001352436.2).
Identifiers: ClinVar variation 728587 (VCV000728587.15), dbSNP rs185395297, ClinGen allele CA9784740.

ClinVar aggregate classification (germline): Likely benign. Review status: criteria provided, multiple submitters, no conflicts (2 of 4 stars). 4 submissions from 4 submitters: Likely benign (3). 1 of the submissions does not count toward it. Last evaluated 2024-09-30.

Conditions:
Retinal dystrophy. Also called: Inherited retinal dystrophy. Identifiers: Orphanet 71862, MedGen C0854723, MeSH D058499, MONDO:0019118, HP:0000556.
KIZ-related disorder. Also called: KIZ-related condition.

Allele frequency attached by ClinVar (database versions not stated): gnomAD 0.00004 and 0.00005; gnomAD exomes 0.00005 and 0.00016; TOPMed 0.00005; ExAC 0.00015; 1000 Genomes Project 30x 0.00047; 1000 Genomes Project 0.00080.
gnomAD v4.1: 76 of 1,613,660 alleles (0.0047%); highest among the groups gnomAD compares: East Asian, 0.16%; no homozygotes.

Submissions (4):

Blueprint Genetics
Classification: Likely benign. Last evaluated: 2024-09-30. Review status: criteria provided, single submitter. Criteria: ACMG Guidelines, 2015. Collection method: clinical testing. Allele origin: germline.

Labcorp Genetics (formerly Invitae), Labcorp
Classification: Likely benign. Last evaluated: 2024-04-01. Review status: criteria provided, single submitter. Criteria: Invitae Variant Classification Sherloc (09022015). Collection method: clinical testing. Allele origin: germline.

Dept Of Ophthalmology, Nagoya University
Classification: Likely benign for Retinal dystrophy. Last evaluated: 2023-10-01. Review status: criteria provided, single submitter. Criteria: Submitter's publication. Collection method: research. Allele origin: germline. Affected: yes.

PreventionGenetics, part of Exact Sciences
Classification: Likely benign for KIZ-related condition. Last evaluated: 2019-08-02. Review status: no assertion criteria provided. Collection method: clinical testing. Allele origin: germline. Not counted in ClinVar's aggregate classification.
Comment: This variant is classified as likely benign based on ACMG/AMP sequence variant interpretation guidelines (Richards et al. 2015 PMID: 25741868, with internal and published modifications).